The following is an entry in ClinVar:

ClinVar aggregate classification (germline): Uncertain significance (1 of 4 stars; one submission).

Conditions:
Primary ciliary dyskinesia 33. Also called: CILIARY DYSKINESIA, PRIMARY, 33, WITHOUT SITUS INVERSUS. Identifiers: Orphanet 244, MedGen C4225230, MONDO:0014750, OMIM 616726.

Submission:

Labcorp Genetics (formerly Invitae), Labcorp
Classification: Uncertain significance for Primary ciliary dyskinesia 33. Last evaluated: 2023-12-11. Review status: criteria provided, single submitter. Criteria: Invitae Variant Classification Sherloc (09022015). Collection method: clinical testing. Allele origin: unknown.
Comment: This variant results in a copy number gain of the genomic region encompassing exon(s) 1-4 of the GAS8 gene. This region includes the initiator codon of the gene. This copy number gain extends beyond the assayed region for this gene and therefore may encompass additional genes. As the precise location of this event is unknown, it may be in tandem or it may be located elsewhere in the genome. This variant has not been reported in the literature in individuals affected with GAS8-related conditions. Experimental studies and prediction algorithms are not available or were not evaluated, and the functional significance of this variant is currently unknown. In summary, the available evidence is currently insufficient to determine the role of this variant in disease. Therefore, it has been classified as a Variant of Uncertain Significance.

NC_000016.9:g.(?_90089130)_(90099352_?)dup

Genes: DRC4 (dynein regulatory complex subunit 4; plus strand), GAS8-AS1 (GAS8 antisense RNA 1; minus strand). Cytogenetic location: 16q24.3.
Variant type: Duplication.
Identifiers: ClinVar variation 3243535 (VCV003243535.1).